The following is an entry in ClinVar:

NM_002830.4(PTPN4):c.149del (p.Gln50fs)

Gene: PTPN4 (protein tyrosine phosphatase non-receptor type 4; plus strand). Cytogenetic location: 2q14.2.
Variant type: Deletion.
Coding change: c.149del on transcript NM_002830.4 (MANE Select); coding-DNA position 149, one base deleted (A; older notation c.149delA).
Protein change: p.Gln50fs; shifts the reading frame from glutamine 50.
Molecular consequence: frameshift variant.
Genome position (GRCh38, 1-based): chr2:119,862,546, A deleted. VCF-style (leftmost placement, unchanged base first): chr2-119862545-CA-C. GRCh37 (hg19) VCF-style: chr2-120620121-CA-C.
Other names: short protein forms Q50fs.
Identifiers: ClinVar variation 3254664 (VCV003254664.1), dbSNP rs1677776275.
Genomic context (GRCh38, chr2:119,862,545, plus strand): 5'-GAATGTAACCTATCAAAGTTGATTTCATTCAATTTTTTTTTTTTTTTACAGAAACATGAT[CA>C]GGGGCAAGTCTTGTTGGATGTCGTCTTCAAGCATCTAGATTTGACTGAGCAGGACTATTT-3'

ClinVar aggregate classification (germline): Likely pathogenic (1 of 4 stars; one submission).

Conditions:
Neurodevelopmental disorder. Identifiers: MedGen C1535926, MeSH D065886, MONDO:0700092.

Allele frequency attached by ClinVar (database versions not stated): TOPMed below 0.00001; gnomAD 0.00001; gnomAD exomes 0.00001.

Submission:

Victorian Clinical Genetics Services, Murdoch Childrens Research Institute
Classification: Likely pathogenic for Neurodevelopmental disorder. Last evaluated: 2023-07-16. Review status: criteria provided, single submitter. Criteria: ACMG Guidelines, 2015. Collection method: clinical testing. Allele origin: germline. Inheritance: Autosomal dominant inheritance. Affected: yes.
Comment: Based on the classification scheme VCGS_Germline_v1.3.4, this variant is classified as Likely pathogenic. Following criteria are met: 0102 - Loss of function is a known mechanism of disease in this gene and is associated with neurodevelopmental disorder, PTPN4-related (MONDO#0700092). (I) 0107 - This gene is associated with autosomal dominant disease. (I) 0201 - Variant is predicted to cause nonsense-mediated decay (NMD) and loss of protein (premature termination codon is located at least 54 nucleotides upstream of the final exon-exon junction). (SP) 0251 - This variant is heterozygous. (I) 0302 - Variant is present in gnomAD (v3) <0.001 for a dominant condition (1 heterozygote, 0 homozygotes). (SP) 0703 - Other NMD-predicted variants comparable to the one identified in this case have moderate previous evidence for pathogenicity. p.(Gln132Thrfs*17) and p.(Arg838*) have been observed in individuals with syndromic developmental delay, the frameshift variant was observed as de novo (PMID: 34527963). (SP) 0807 - This variant has no previous evidence of pathogenicity. (I) 0905 - No published segregation evidence has been identified for this variant. (I) 1007 - No published functional evidence has been identified for this variant. (I) Legend: (SP) - Supporting pathogenic, (I) - Information, (SB) - Supporting benign

Literature cited by the submitters: PubMed 34527963.